The following is an entry in ClinVar:

NM_001103.4(ACTN2):c.1869dup (p.Ser624fs)

Gene: ACTN2 (actinin alpha 2; plus strand). Cytogenetic location: 1q43.
Variant type: Duplication.
Coding change: c.1869dup on transcript NM_001103.4 (MANE Select); coding-DNA position 1869, one base duplicated (A; older notation c.1869dupA).
Protein change: p.Ser624fs; shifts the reading frame from serine 624.
Molecular consequence: frameshift variant. On other transcripts: non-coding transcript variant (1).
Genome position (GRCh38, 1-based): chr1:236,753,976, A duplicated; the last of 2 consecutive A bases (chr1:236,753,975-236,753,976); duplicating either gives the same sequence. VCF-style (leftmost placement, unchanged base first): chr1-236753974-C-CA. GRCh37 (hg19) VCF-style: chr1-236917274-C-CA.
Other names: c.1869dup, p.Ser624fs (NM_001278343.2); short protein forms S624fs.
Identifiers: ClinVar variation 3757706 (VCV003757706.2).

ClinVar aggregate classification (germline): Uncertain significance (1 of 4 stars; one submission).

Conditions:
Primary familial hypertrophic cardiomyopathy (HCM). Identifiers: Orphanet 99739, MedGen C0949658, MeSH D024741, MONDO:0024573. Inheritance: Various modes of inheritance.
Dilated cardiomyopathy 1AA (CMD1AA). Also called: CARDIOMYOPATHY, DILATED, 1AA, WITH OR WITHOUT LEFT VENTRICULAR NONCOMPACTION; CARDIOMYOPATHY, FAMILIAL HYPERTROPHIC, 23, WITH OR WITHOUT LEFT VENTRICULAR NONCOMPACTION; Cardiomyopathy, dilated, 1AA, with or without LVNC. Identifiers: Orphanet 154, MedGen C2677338, MONDO:0012808, OMIM 612158.

Submission:

Labcorp Genetics (formerly Invitae), Labcorp
Classification: Uncertain significance for Primary familial hypertrophic cardiomyopathy; Dilated cardiomyopathy 1AA. Last evaluated: 2024-08-16. Review status: criteria provided, single submitter. Criteria: Invitae Variant Classification Sherloc (09022015). Collection method: clinical testing. Allele origin: germline.
Comment: This sequence change creates a premature translational stop signal (p.Ser624Ilefs*12) in the ACTN2 gene. It is expected to result in an absent or disrupted protein product. However, the current clinical and genetic evidence is not sufficient to establish whether loss-of-function variants in ACTN2 cause disease. This variant is not present in population databases (gnomAD no frequency). This variant has not been reported in the literature in individuals affected with ACTN2-related conditions. In summary, the available evidence is currently insufficient to determine the role of this variant in disease. Therefore, it has been classified as a Variant of Uncertain Significance.